The following is an entry in ClinVar:

ClinVar aggregate classification (germline): Pathogenic (1 of 4 stars; one submission).

Conditions:
Alstrom syndrome (ALMS). Identifiers: Orphanet 64, MedGen C0268425, MONDO:0008763, OMIM 203800.

Submission:

Labcorp Genetics (formerly Invitae), Labcorp
Classification: Pathogenic for Alstrom syndrome. Last evaluated: 2022-10-05. Review status: criteria provided, single submitter. Criteria: Invitae Variant Classification Sherloc (09022015). Collection method: clinical testing. Allele origin: germline.
Comment: This variant has not been reported in the literature in individuals affected with ALMS1-related conditions. For these reasons, this variant has been classified as Pathogenic. This variant is not present in population databases (gnomAD no frequency). This sequence change creates a premature translational stop signal (p.Leu4073*) in the ALMS1 gene. It is expected to result in an absent or disrupted protein product. Loss-of-function variants in ALMS1 are known to be pathogenic (PMID: 17594715).

Literature cited by the submitters: PubMed 17594715.

NM_001378454.1(ALMS1):c.12215T>A (p.Leu4072Ter)

Genes: ALMS1 (ALMS1 centrosome and basal body associated protein; plus strand), LOC126806252 (BRD4-independent group 4 enhancer GRCh37_chr2:73828496-73829695; plus strand). Cytogenetic location: 2p13.1.
Variant type: single nucleotide variant.
Coding change: c.12215T>A on transcript NM_001378454.1 (MANE Select); coding-DNA position 12215, T replaced by A.
Protein change: p.Leu4072Ter; replaces leucine 4072 with a stop codon.
Molecular consequence: nonsense.
Genome position (GRCh38, 1-based): chr2:73,602,285, T>A. VCF-style: chr2-73602285-T-A. GRCh37 (hg19) VCF-style: chr2-73829412-T-A.
Other names: c.12218T>A, p.Leu4073Ter (NM_015120.4); short protein forms L4072*, L4073*.
Identifiers: ClinVar variation 2034259 (VCV002034259.4), dbSNP rs2104199857, ClinGen allele CA347268182.